The following is an entry in ClinVar:

NM_001348768.2(HECW2):c.2683A>C (p.Ser895Arg)

Gene: HECW2 (HECT, C2 and WW domain containing E3 ubiquitin protein ligase 2; minus strand). Cytogenetic location: 2q32.3.
Variant type: single nucleotide variant.
Coding change: c.2683A>C on transcript NM_001348768.2 (MANE Select); coding-DNA position 2683, A replaced by C.
Protein change: p.Ser895Arg; replaces serine 895 with arginine.
Molecular consequence: missense variant.
Genome position (GRCh38, 1-based): chr2:196,307,136, T>G on the plus strand (A>C on the coding strand, the complement: HECW2 is on the minus strand). VCF-style: chr2-196307136-T-G. GRCh37 (hg19) VCF-style: chr2-197171860-T-G.
Other names: c.1615A>C, p.Ser539Arg (NM_001304840.3); c.2683A>C, p.Ser895Arg (NM_020760.4); short protein forms S539R, S895R.
Identifiers: ClinVar variation 4743735 (VCV004743735.1).

ClinVar aggregate classification (germline): Uncertain significance (1 of 4 stars; one submission).

Submission:

Labcorp Genetics (formerly Invitae), Labcorp
Classification: Uncertain significance. Last evaluated: 2025-09-06. Review status: criteria provided, single submitter. Criteria: Invitae Variant Classification Sherloc (09022015). Collection method: clinical testing. Allele origin: germline.
Comment: This sequence change replaces serine, which is neutral and polar, with arginine, which is basic and polar, at codon 895 of the HECW2 protein (p.Ser895Arg). This variant is not present in population databases (gnomAD no frequency). This variant has not been reported in the literature in individuals affected with HECW2-related conditions. Invitae Evidence Modeling of protein sequence and biophysical properties (such as structural, functional, and spatial information, amino acid conservation, physicochemical variation, residue mobility, and thermodynamic stability) indicates that this missense variant is not expected to disrupt HECW2 protein function with a negative predictive value of 80%. In summary, the available evidence is currently insufficient to determine the role of this variant in disease. Therefore, it has been classified as a Variant of Uncertain Significance.